The following is an entry in ClinVar:

ClinVar aggregate classification (germline): Uncertain significance (1 of 4 stars; one submission).

Submission:

Labcorp Genetics (formerly Invitae), Labcorp
Classification: Uncertain significance. Last evaluated: 2024-03-05. Review status: criteria provided, single submitter. Criteria: Invitae Variant Classification Sherloc (09022015). Collection method: clinical testing. Allele origin: germline.
Comment: This sequence change replaces serine, which is neutral and polar, with proline, which is neutral and non-polar, at codon 1247 of the KMT2A protein (p.Ser1247Pro). This variant is not present in population databases (gnomAD no frequency). This variant has not been reported in the literature in individuals affected with KMT2A-related conditions. Advanced modeling of protein sequence and biophysical properties (such as structural, functional, and spatial information, amino acid conservation, physicochemical variation, residue mobility, and thermodynamic stability) performed at Invitae indicates that this missense variant is not expected to disrupt KMT2A protein function with a negative predictive value of 95%. In summary, the available evidence is currently insufficient to determine the role of this variant in disease. Therefore, it has been classified as a Variant of Uncertain Significance.

NM_001197104.2(KMT2A):c.3739T>C (p.Ser1247Pro)

Gene: KMT2A (lysine methyltransferase 2A; plus strand). Cytogenetic location: 11q23.3.
Variant type: single nucleotide variant.
Coding change: c.3739T>C on transcript NM_001197104.2 (MANE Select); coding-DNA position 3739, T replaced by C.
Protein change: p.Ser1247Pro; replaces serine 1247 with proline.
Molecular consequence: missense variant.
Genome position (GRCh38, 1-based): chr11:118,481,819, T>C. VCF-style: chr11-118481819-T-C. GRCh37 (hg19) VCF-style: chr11-118352534-T-C.
Other names: c.3838T>C, p.Ser1280Pro (NM_001412597.1); c.3739T>C, p.Ser1247Pro (NM_005933.4); short protein forms S1247P, S1280P.
Identifiers: ClinVar variation 3668289 (VCV003668289.2).